The following is an entry in ClinVar:

NM_001114753.3(ENG):c.619T>C (p.Cys207Arg)

Gene: ENG (endoglin; minus strand). Cytogenetic location: 9q34.11.
Variant type: single nucleotide variant.
Coding change: c.619T>C on transcript NM_001114753.3 (MANE Select); coding-DNA position 619, T replaced by C.
Protein change: p.Cys207Arg; replaces cysteine 207 with arginine.
Molecular consequence: missense variant.
Genome position (GRCh38, 1-based): chr9:127,825,765, A>G on the plus strand (T>C on the coding strand, the complement: ENG is on the minus strand). VCF-style: chr9-127825765-A-G. GRCh37 (hg19) VCF-style: chr9-130588044-A-G.
Other names: c.619T>C, p.Cys207Arg (NM_000118.4, NM_001406715.1); c.73T>C, p.Cys25Arg (NM_001278138.2); short protein forms C207R, C25R.
Identifiers: ClinVar variation 1511806 (VCV001511806.11), dbSNP rs2131889169, ClinGen allele CA374983623.
Genomic context (GRCh38, chr9:127,825,765, plus strand): 5'-GGCCCGGCAGGACCCTCAGGATGTGCGCCTCCTTGTGGCCGGCCACGCCTTCCAAGTGGC[A>G]GCCCCGGACCAAGGCTGGAGTACGCGGCCGCCACTCGAGCGTGCGGCCCATGTCCTGGCT-3'
Protein context (NP_001108225.1, residues 197-217): RPRTPALVRG[Cys207Arg]HLEGVAGHKE

ClinVar aggregate classification (germline): Pathogenic/Likely pathogenic. Review status: criteria provided, multiple submitters, no conflicts (2 of 4 stars). 2 submissions from 2 submitters: Pathogenic (1); Likely pathogenic (1). Last evaluated 2024-08-04.

Conditions:
Cardiovascular phenotype. Identifiers: MedGen CN230736.
Hereditary hemorrhagic telangiectasia (HHT). Also called: ORW DISEASE; Osler Weber Rendu syndrome; OSLER-RENDU-WEBER DISEASE; Osler hemorrhagic telangiectasia syndrome. Identifiers: Orphanet 774, MedGen C0039445, MONDO:0019180. Disease mechanism: loss of function.

Submissions (2):

Labcorp Genetics (formerly Invitae), Labcorp
Classification: Pathogenic for Hereditary hemorrhagic telangiectasia. Last evaluated: 2024-08-04. Review status: criteria provided, single submitter. Criteria: Invitae Variant Classification Sherloc (09022015). Collection method: clinical testing. Allele origin: germline.
Comment: This sequence change replaces cysteine, which is neutral and slightly polar, with arginine, which is basic and polar, at codon 207 of the ENG protein (p.Cys207Arg). This variant is not present in population databases (gnomAD no frequency). This missense change has been observed in individuals with clinical features of hereditary hemorrhagic telangiectasia (PMID: 25312062; Invitae). ClinVar contains an entry for this variant (Variation ID: 1511806). Advanced modeling of protein sequence and biophysical properties (such as structural, functional, and spatial information, amino acid conservation, physicochemical variation, residue mobility, and thermodynamic stability) performed at Invitae indicates that this missense variant is expected to disrupt ENG protein function with a positive predictive value of 95%. Experimental studies have shown that this missense change affects ENG function (PMID: 25312062). This variant disrupts the p.Cys207 amino acid residue in ENG. Other variant(s) that disrupt this residue have been observed in individuals with ENG-related conditions (PMID: 32573726), which suggests that this may be a clinically significant amino acid residue. For these reasons, this variant has been classified as Pathogenic.

Ambry Genetics
Classification: Likely pathogenic for Cardiovascular phenotype. Last evaluated: 2018-05-17. Review status: criteria provided, single submitter. Criteria: Ambry Variant Classification Scheme 2023. Collection method: clinical testing. Allele origin: germline.
Comment: The p.C207R variant (also known as c.619T>C), located in coding exon 5 of the ENG gene, results from a T to C substitution at nucleotide position 619. The cysteine at codon 207 is replaced by arginine, an amino acid with highly dissimilar properties. This variant was identified in a family with a definite diagnosis of hereditary hemorrhagic telangiectasia and was reported to segregate with disease in three individuals. In addition, in vitro studies showed that this alteration caused reduced cell surface expression of the ENG protein and subsequently failed to enhance the ALK1 response to BMP9 compared to wild type (Mallet C et al. Hum. Mol. Genet., 2015 Feb;24:1142-54). This amino acid position is highly conserved in available vertebrate species. In addition, this alteration is predicted to be deleterious by in silico analysis. Based on the majority of available evidence to date, this variant is likely to be pathogenic.

Literature cited by the submitters: PubMed 25312062 (cited by Labcorp Genetics (formerly Invitae), Labcorp and Ambry Genetics); PubMed 32573726 (cited by Labcorp Genetics (formerly Invitae), Labcorp).